The following is an entry in ClinVar:

NM_018928.3(PCDHGC4):c.1515C>T (p.Ser505=)

Genes: PCDHG@ (protocadherin gamma cluster; plus strand), PCDHGA1 (protocadherin gamma subfamily A, 1; plus strand), PCDHGA10 (protocadherin gamma subfamily A, 10; plus strand), PCDHGA11 (protocadherin gamma subfamily A, 11; plus strand), PCDHGA12 (protocadherin gamma subfamily A, 12; plus strand) and 17 more. Cytogenetic location: 5q31.3.
Variant type: single nucleotide variant.
Coding change: c.1515C>T on transcript NM_018928.3 (MANE Select); coding-DNA position 1515, C replaced by T.
Protein change: p.Ser505=; no amino-acid change (serine 505 retained).
Molecular consequence: synonymous variant. On other transcripts: intron variant (23).
Genome position (GRCh38, 1-based): chr5:141,486,688, C>T. VCF-style: chr5-141486688-C-T. GRCh37 (hg19) VCF-style: chr5-140866255-C-T.
Other names: c.1515C>T, p.Ser505= (NM_032406.1); c.2422-8119C>T (NM_018912.3, NM_018923.3, NM_018918.3); c.2425-8119C>T (NM_018915.4, NM_018916.4, NM_018919.3 and 4 more transcripts); c.2410-8119C>T (NM_018922.3); c.2515-8119C>T (NM_018917.4); c.2416-8119C>T (NM_018924.5, NM_018927.4); c.2398-8119C>T (NM_003736.4, NM_018925.3); c.2419-8119C>T (NM_018926.3); and 6 more.
Identifiers: ClinVar variation 4994224 (VCV004994224.1).
Genomic context (GRCh38, chr5:141,486,688, plus strand): 5'-CTTGAATGCGCTTATCTCCTACTCACTCCTGGAGCCCAGGAATCGAGATGTATCAGCTTC[C>T]TCTTTCATCTCTCTGAACCCCCAGACAGGAGCTGTTCATGCTACTCGATCCTTTGACTAT-3'
Protein context (NP_061751.1, residues 495-515): LEPRNRDVSA[Ser505=]SFISLNPQTG

ClinVar aggregate classification (germline): Likely benign (1 of 4 stars; one submission).

Conditions:
PCDHGC4-related disorder. Also called: PCDHGC4-related condition.

gnomAD v4.1: 2 of 1,614,170 alleles (0.00012%); highest among the groups gnomAD compares: South Asian, 0.0011%; no homozygotes.

Submission:

PreventionGenetics, part of Exact Sciences
Classification: Likely benign for PCDHGC4-related condition. Last evaluated: 2026-08-04. Review status: criteria provided, single submitter. Criteria: ACMG Guidelines, 2015. Collection method: clinical testing. Allele origin: germline.
Comment: This variant is classified as likely benign based on ACMG/AMP sequence variant interpretation guidelines (Richards et al. 2015 PMID: 25741868, with internal and published modifications).